The following is an entry in ClinVar:

NM_005228.5(EGFR):c.970C>T (p.Arg324Cys)

Gene: EGFR (epidermal growth factor receptor; plus strand). Cytogenetic location: 7p11.2.
Variant type: single nucleotide variant.
Coding change: c.970C>T on transcript NM_005228.5 (MANE Select); coding-DNA position 970, C replaced by T.
Protein change: p.Arg324Cys; replaces arginine 324 with cysteine.
Molecular consequence: missense variant.
Genome position (GRCh38, 1-based): chr7:55,155,910, C>T. VCF-style: chr7-55155910-C-T. GRCh37 (hg19) VCF-style: chr7-55223603-C-T.
Other names: c.835C>T, p.Arg279Cys (NM_001346897.2, NM_001346899.2); c.970C>T, p.Arg324Cys (NM_001346898.2, NM_201282.2, NM_201283.2 and 1 more transcripts); c.811C>T, p.Arg271Cys (NM_001346900.2); c.169C>T, p.Arg57Cys (NM_001346941.2); short protein forms R57C, R271C, R279C, R324C.
Identifiers: ClinVar variation 1490005 (VCV001490005.8), dbSNP rs1343888047, ClinGen allele CA367578091.

ClinVar aggregate classification (germline): Uncertain significance (1 of 4 stars; one submission).

Conditions:
EGFR-related lung cancer (EGFR). Identifiers: MedGen CN130014.

Allele frequency attached by ClinVar (database versions not stated): gnomAD exomes below 0.00001.
gnomAD v4.1: 1 of 1,614,028 alleles (0.000062%); highest among the groups gnomAD compares: East Asian, 0.0022%; no homozygotes.

Submission:

Labcorp Genetics (formerly Invitae), Labcorp
Classification: Uncertain significance for EGFR-related lung cancer. Last evaluated: 2023-03-02. Review status: criteria provided, single submitter. Criteria: Invitae Variant Classification Sherloc (09022015). Collection method: clinical testing. Allele origin: germline.
Comment: Advanced modeling of protein sequence and biophysical properties (such as structural, functional, and spatial information, amino acid conservation, physicochemical variation, residue mobility, and thermodynamic stability) has been performed at Invitae for this missense variant, however the output from this modeling did not meet the statistical confidence thresholds required to predict the impact of this variant on EGFR protein function. In summary, the available evidence is currently insufficient to determine the role of this variant in disease. Therefore, it has been classified as a Variant of Uncertain Significance. ClinVar contains an entry for this variant (Variation ID: 1490005). This missense change has been observed in individual(s) with Wilms tumor (PMID: 33326033). This variant is present in population databases (no rsID available, gnomAD 0.006%). This sequence change replaces arginine, which is basic and polar, with cysteine, which is neutral and slightly polar, at codon 324 of the EGFR protein (p.Arg324Cys).

Literature cited by the submitters: PubMed 33326033.